The following is an entry in ClinVar:

NM_003848.4(SUCLG2):c.157G>A (p.Gly53Arg)

Gene: SUCLG2 (succinate-CoA ligase GDP-forming subunit beta; minus strand). Cytogenetic location: 3p14.1.
Variant type: single nucleotide variant.
Coding change: c.157G>A on transcript NM_003848.4 (MANE Select); coding-DNA position 157, G replaced by A.
Protein change: p.Gly53Arg; replaces glycine 53 with arginine.
Molecular consequence: missense variant.
Genome position (GRCh38, 1-based): chr3:67,609,524, C>T on the plus strand (G>A on the coding strand, the complement: SUCLG2 is on the minus strand). VCF-style: chr3-67609524-C-T. GRCh37 (hg19) VCF-style: chr3-67659948-C-T.
Other names: c.157G>A, p.Gly53Arg (NM_001177599.2); short protein forms G53R.
Identifiers: ClinVar variation 1947166 (VCV001947166.5), dbSNP rs370877877, ClinGen allele CA2486128.
Genomic context (GRCh38, chr3:67,609,524, plus strand): 5'-TAGCAGCCTCGAGAGCTTCATTTGCAGTGTCTGCTACAAAGAATCTTTGAACTCTCACTC[C>T]GTTGTCAGACATCAGTTTCTTGCTCTGGTATTCCTGCAGGTTCAGCCATCTTCTGGAGGT-3'
Protein context (NP_003839.2, residues 43-63): YQSKKLMSDN[Gly53Arg]VRVQRFFVAD

ClinVar aggregate classification (germline): Uncertain significance (1 of 4 stars; one submission).

Allele frequency attached by ClinVar (database versions not stated): TOPMed below 0.00001; gnomAD 0.00001; ExAC 0.00007; ESP Exome Variant Server 0.00008.
gnomAD v4.1: 23 of 1,613,724 alleles (0.0014%); highest among the groups gnomAD compares: South Asian, 0.011%; no homozygotes.

Submission:

Labcorp Genetics (formerly Invitae), Labcorp
Classification: Uncertain significance. Last evaluated: 2024-01-22. Review status: criteria provided, single submitter. Criteria: Invitae Variant Classification Sherloc (09022015). Collection method: clinical testing. Allele origin: germline.
Comment: This sequence change replaces glycine, which is neutral and non-polar, with arginine, which is basic and polar, at codon 53 of the SUCLG2 protein (p.Gly53Arg). This variant is present in population databases (rs370877877, gnomAD 0.02%). This variant has not been reported in the literature in individuals affected with SUCLG2-related conditions. ClinVar contains an entry for this variant (Variation ID: 1947166). An algorithm developed to predict the effect of missense changes on protein structure and function (PolyPhen-2) suggests that this variant is likely to be disruptive. In summary, the available evidence is currently insufficient to determine the role of this variant in disease. Therefore, it has been classified as a Variant of Uncertain Significance.